The following is an entry in ClinVar:

ClinVar aggregate classification (germline): Likely benign (1 of 4 stars; one submission).

Conditions:
PLXNA4-related disorder. Also called: PLXNA4-related condition.

gnomAD v4.1: 14 of 1,613,650 alleles (0.00087%); highest among the groups gnomAD compares: Non-Finnish European, 0.001%; no homozygotes.

Submission:

PreventionGenetics, part of Exact Sciences
Classification: Likely benign for PLXNA4-related condition. Last evaluated: 2026-09-21. Review status: criteria provided, single submitter. Criteria: ACMG Guidelines, 2015. Collection method: clinical testing. Allele origin: germline.
Comment: This variant is classified as likely benign based on ACMG/AMP sequence variant interpretation guidelines (Richards et al. 2015 PMID: 25741868, with internal and published modifications).

NM_020911.2(PLXNA4):c.1371+4485T>C

Gene: PLXNA4 (plexin A4; minus strand). Cytogenetic location: 7q32.3.
Variant type: single nucleotide variant.
Coding change: c.1371+4485T>C on transcript NM_020911.2 (MANE Select); 4485 bases into the intron after coding-DNA position 1371, T replaced by C.
Molecular consequence: intron variant. On other transcripts: 3 prime UTR variant (1).
Genome position (GRCh38, 1-based): chr7:132,484,807, A>G on the plus strand (T>C on the coding strand, the complement: PLXNA4 is on the minus strand). VCF-style: chr7-132484807-A-G. GRCh37 (hg19) VCF-style: chr7-132169566-A-G.
Other names: c.*9T>C (NM_181775.4); c.1371+4485T>C (NM_001393897.1, NM_001105543.2).
Identifiers: ClinVar variation 4992192 (VCV004992192.1).